The following is an entry in ClinVar:

NM_000136.3(FANCC):c.1301A>G (p.Asp434Gly)

Genes: FANCC (FA complementation group C; minus strand), AOPEP (aminopeptidase O (putative); plus strand). Cytogenetic location: 9q22.32.
Variant type: single nucleotide variant.
Coding change: c.1301A>G on transcript NM_000136.3 (MANE Select); coding-DNA position 1301, A replaced by G.
Protein change: p.Asp434Gly; replaces aspartic acid 434 with glycine.
Molecular consequence: missense variant.
Genome position (GRCh38, 1-based): chr9:95,111,491, T>C on the plus strand (A>G on the coding strand, the complement: FANCC is on the minus strand). VCF-style: chr9-95111491-T-C. GRCh37 (hg19) VCF-style: chr9-97873773-T-C.
Other names: c.1301A>G, p.Asp434Gly (NM_001243743.2, NM_001243744.2); short protein forms D434G.
Identifiers: ClinVar variation 1490604 (VCV001490604.7), dbSNP rs2134547041, ClinGen allele CA374107278.

ClinVar aggregate classification (germline): Uncertain significance. Review status: criteria provided, multiple submitters, no conflicts (2 of 4 stars). 2 submissions from 2 submitters: Uncertain significance (2). Last evaluated 2022-01-26.

Conditions:
Fanconi anemia (FA). Also called: Fanconi's anemia. Identifiers: Orphanet 84, MedGen C0015625, MeSH D005199, MONDO:0019391.
Hereditary cancer-predisposing syndrome. Also called: Tumor predisposition; Hereditary neoplastic syndrome; Neoplastic Syndromes, Hereditary; Hereditary Cancer Syndrome. Identifiers: Orphanet 140162, MedGen C0027672, MeSH D009386, MONDO:0015356.

Submissions (2):

Ambry Genetics
Classification: Uncertain significance for Hereditary cancer-predisposing syndrome. Last evaluated: 2022-01-26. Review status: criteria provided, single submitter. Criteria: Ambry Variant Classification Scheme 2023. Collection method: clinical testing. Allele origin: germline.
Comment: The p.D434G variant (also known as c.1301A>G), located in coding exon 12 of the FANCC gene, results from an A to G substitution at nucleotide position 1301. The aspartic acid at codon 434 is replaced by glycine, an amino acid with similar properties. This amino acid position is conserved. In addition, this alteration is predicted to be tolerated by in silico analysis. Since supporting evidence is limited at this time, the clinical significance of this alteration remains unclear.

Labcorp Genetics (formerly Invitae), Labcorp
Classification: Uncertain significance for Fanconi anemia. Last evaluated: 2021-08-30. Review status: criteria provided, single submitter. Criteria: Invitae Variant Classification Sherloc (09022015). Collection method: clinical testing. Allele origin: germline.
Comment: This sequence change replaces aspartic acid with glycine at codon 434 of the FANCC protein (p.Asp434Gly). The aspartic acid residue is moderately conserved and there is a moderate physicochemical difference between aspartic acid and glycine. This variant is not present in population databases (ExAC no frequency). This variant has not been reported in the literature in individuals affected with FANCC-related conditions. Algorithms developed to predict the effect of missense changes on protein structure and function are either unavailable or do not agree on the potential impact of this missense change (SIFT: "Tolerated"; PolyPhen-2: "Possibly Damaging"; Align-GVGD: "Class C35"). Algorithms developed to predict the effect of sequence changes on RNA splicing suggest that this variant may create or strengthen a splice site. In summary, the available evidence is currently insufficient to determine the role of this variant in disease. Therefore, it has been classified as a Variant of Uncertain Significance.